The following is an entry in ClinVar:

NM_015602.4(TOR1AIP1):c.1250A>T (p.Asp417Val)

Gene: TOR1AIP1 (torsin 1A interacting protein 1; plus strand). Cytogenetic location: 1q25.2.
Variant type: single nucleotide variant.
Coding change: c.1250A>T on transcript NM_015602.4 (MANE Select); coding-DNA position 1250, A replaced by T.
Protein change: p.Asp417Val; replaces aspartic acid 417 with valine.
Molecular consequence: missense variant.
Genome position (GRCh38, 1-based): chr1:179,917,737, A>T. VCF-style: chr1-179917737-A-T. GRCh37 (hg19) VCF-style: chr1-179886872-A-T.
Other names: c.1253A>T, p.Asp418Val (NM_001267578.2); short protein forms D417V, D418V.
Identifiers: ClinVar variation 1928917 (VCV001928917.5), dbSNP rs754680744, ClinGen allele CA343573872.

ClinVar aggregate classification (germline): Uncertain significance (1 of 4 stars; one submission).

Conditions:
Autosomal recessive limb-girdle muscular dystrophy type 2Y (MRRSDC). Also called: Muscular dystrophy, limb-girdle, type 2y; Muscular dystrophy, autosomal recessive, with rigid spine and distal joint contractures. Identifiers: Orphanet 424261, MedGen C4511482, MONDO:0014900, OMIM 617072.

Submission:

Labcorp Genetics (formerly Invitae), Labcorp
Classification: Uncertain significance for Autosomal recessive limb-girdle muscular dystrophy type 2Y. Last evaluated: 2022-08-23. Review status: criteria provided, single submitter. Criteria: Invitae Variant Classification Sherloc (09022015). Collection method: clinical testing. Allele origin: germline.
Comment: Algorithms developed to predict the effect of missense changes on protein structure and function are either unavailable or do not agree on the potential impact of this missense change (SIFT: "Tolerated"; PolyPhen-2: "Probably Damaging"; Align-GVGD: "Class C0"). In summary, the available evidence is currently insufficient to determine the role of this variant in disease. Therefore, it has been classified as a Variant of Uncertain Significance. This variant has not been reported in the literature in individuals affected with TOR1AIP1-related conditions. This sequence change replaces aspartic acid, which is acidic and polar, with valine, which is neutral and non-polar, at codon 418 of the TOR1AIP1 protein (p.Asp418Val). This variant is not present in population databases (gnomAD no frequency).